The following is an entry in ClinVar:

ClinVar aggregate classification (germline): Uncertain significance (1 of 4 stars; one submission).

Conditions:
Cornelia de Lange syndrome 1 (CDLS1). Also called: Brachmann de Lange syndrome; NIPBL-Related Cornelia de Lange Syndrome; TYPUS DEGENERATIVUS AMSTELODAMENSIS. Identifiers: Orphanet 199, MedGen C4551851, MONDO:0007387, OMIM 122470.

Submission:

Labcorp Genetics (formerly Invitae), Labcorp
Classification: Uncertain significance for Cornelia de Lange syndrome 1. Last evaluated: 2021-11-11. Review status: criteria provided, single submitter. Criteria: Invitae Variant Classification Sherloc (09022015). Collection method: clinical testing. Allele origin: germline.
Comment: This sequence change replaces tyrosine, which is neutral and polar, with serine, which is neutral and polar, at codon 1558 of the NIPBL protein (p.Tyr1558Ser). This variant is not present in population databases (gnomAD no frequency). In summary, the available evidence is currently insufficient to determine the role of this variant in disease. Therefore, it has been classified as a Variant of Uncertain Significance. Advanced modeling of protein sequence and biophysical properties (such as structural, functional, and spatial information, amino acid conservation, physicochemical variation, residue mobility, and thermodynamic stability) performed at Invitae indicates that this missense variant is expected to disrupt NIPBL protein function. This variant has not been reported in the literature in individuals affected with NIPBL-related conditions.

NM_133433.4(NIPBL):c.4673A>C (p.Tyr1558Ser)

Gene: NIPBL (NIPBL cohesin loading factor; plus strand). Cytogenetic location: 5p13.2.
Variant type: single nucleotide variant.
Coding change: c.4673A>C on transcript NM_133433.4 (MANE Select); coding-DNA position 4673, A replaced by C.
Protein change: p.Tyr1558Ser; replaces tyrosine 1558 with serine.
Molecular consequence: missense variant.
Genome position (GRCh38, 1-based): chr5:37,016,067, A>C. VCF-style: chr5-37016067-A-C. GRCh37 (hg19) VCF-style: chr5-37016169-A-C.
Other names: c.4673A>C, p.Tyr1558Ser (NM_015384.5); short protein forms Y1558S.
Identifiers: ClinVar variation 1435845 (VCV001435845.6), dbSNP rs1447713911, ClinGen allele CA359482277.
Genomic context (GRCh38, chr5:37,016,067, plus strand): 5'-GACATCCTTTTCATTATTTGCCTTTGAACAGATGTGGTAGTAAGCAAGGTGAAGAAGATT[A>C]CAGACCACTGTTTGAAAATTTTGTTCAAGACCTTCTTTCAACAGTCAATAAGCCTGAATG-3'
Protein context (NP_597677.2, residues 1548-1568): KCGSKQGEED[Tyr1558Ser]RPLFENFVQD